The following is an entry in ClinVar:

NM_020745.4(AARS2):c.1627G>C (p.Gly543Arg)

Gene: AARS2 (alanyl-tRNA synthetase 2, mitochondrial; minus strand). Cytogenetic location: 6p21.1.
Variant type: single nucleotide variant.
Coding change: c.1627G>C on transcript NM_020745.4 (MANE Select); coding-DNA position 1627, G replaced by C.
Protein change: p.Gly543Arg; replaces glycine 543 with arginine.
Molecular consequence: missense variant.
Genome position (GRCh38, 1-based): chr6:44,304,770, C>G on the plus strand (G>C on the coding strand, the complement: AARS2 is on the minus strand). VCF-style: chr6-44304770-C-G. GRCh37 (hg19) VCF-style: chr6-44272507-C-G.
Other names: short protein forms G543R.
Identifiers: ClinVar variation 1918788 (VCV001918788.2), dbSNP rs764982273, ClinGen allele CA364338607.

ClinVar aggregate classification (germline): Uncertain significance (1 of 4 stars; one submission).

gnomAD v4.1: 4 of 1,614,100 alleles (0.00025%); highest among the groups gnomAD compares: Admixed American, 0.0067%; no homozygotes.

Submission:

Labcorp Genetics (formerly Invitae), Labcorp
Classification: Uncertain significance. Last evaluated: 2022-08-19. Review status: criteria provided, single submitter. Criteria: Invitae Variant Classification Sherloc (09022015). Collection method: clinical testing. Allele origin: germline.
Comment: This sequence change replaces glycine, which is neutral and non-polar, with arginine, which is basic and polar, at codon 543 of the AARS2 protein (p.Gly543Arg). This variant is present in population databases (no rsID available, gnomAD 0.003%). This variant has not been reported in the literature in individuals affected with AARS2-related conditions. Advanced modeling of protein sequence and biophysical properties (such as structural, functional, and spatial information, amino acid conservation, physicochemical variation, residue mobility, and thermodynamic stability) performed at Invitae indicates that this missense variant is not expected to disrupt AARS2 protein function. In summary, the available evidence is currently insufficient to determine the role of this variant in disease. Therefore, it has been classified as a Variant of Uncertain Significance.